The following is an entry in ClinVar:

NM_139276.3(STAT3):c.2137G>T (p.Val713Leu)

Gene: STAT3 (signal transducer and activator of transcription 3; minus strand). Cytogenetic location: 17q21.2.
Variant type: single nucleotide variant.
Coding change: c.2137G>T on transcript NM_139276.3 (MANE Select); coding-DNA position 2137, G replaced by T.
Protein change: p.Val713Leu; replaces valine 713 with leucine.
Molecular consequence: missense variant. On other transcripts: intron variant (1).
Genome position (GRCh38, 1-based): chr17:42,317,189, C>A on the plus strand (G>T on the coding strand, the complement: STAT3 is on the minus strand). VCF-style: chr17-42317189-C-A. GRCh37 (hg19) VCF-style: chr17-40469207-C-A.
Other names: c.2137G>T, p.Val713Leu (NM_001369512.1, NM_001369513.1, NM_001369517.1 and 3 more transcripts); c.2134G>T, p.Val712Leu (NM_001369514.1, NM_001369516.1, NM_001369519.1 and 2 more transcripts); c.2053G>T, p.Val685Leu (NM_001384984.1); c.2059G>T, p.Val687Leu (NM_001384985.1); c.2149G>T, p.Val717Leu (NM_001384986.1); c.2116G>T, p.Val706Leu (NM_001384987.1); c.2038G>T, p.Val680Leu (NM_001384989.1); c.2152G>T, p.Val718Leu (NM_001384990.1); and 3 more; short protein forms V685L, V687L, V712L, V713L, V717L, V693L, V680L, V704L.
Identifiers: ClinVar variation 2940006 (VCV002940006.3), dbSNP rs2509117897, ClinGen allele CA399580184.

ClinVar aggregate classification (germline): Pathogenic (1 of 4 stars; one submission).

Conditions:
Hyper-IgE recurrent infection syndrome 1, autosomal dominant. Also called: JOB SYNDROME; Job's Syndrome; STAT3 Hyper IgE Syndrome; Hyper-IgE recurrent infection syndrome 1; HYPER-IgE SYNDROME 1, AUTOSOMAL DOMINANT, WITH RECURRENT INFECTIONS. Identifiers: Orphanet 2314, MedGen C2936739, MONDO:0007818, OMIM 147060.
STAT3 gain of function. Identifiers: MedGen C4288261.

Submission:

Labcorp Genetics (formerly Invitae), Labcorp
Classification: Pathogenic for STAT3 gain of function; Hyper-IgE recurrent infection syndrome 1, autosomal dominant. Last evaluated: 2023-12-07. Review status: criteria provided, single submitter. Criteria: Invitae Variant Classification Sherloc (09022015). Collection method: clinical testing. Allele origin: germline.
Comment: This sequence change replaces valine, which is neutral and non-polar, with leucine, which is neutral and non-polar, at codon 713 of the STAT3 protein (p.Val713Leu). This variant is not present in population databases (gnomAD no frequency). This missense change has been observed in individual(s) with clinical features of hyper-IgE syndrome (PMID: 18602572, 25962528; Invitae). In at least one individual the variant was observed to be de novo. Advanced modeling of protein sequence and biophysical properties (such as structural, functional, and spatial information, amino acid conservation, physicochemical variation, residue mobility, and thermodynamic stability) performed at Invitae indicates that this missense variant is expected to disrupt STAT3 protein function with a positive predictive value of 80%. This variant disrupts the p.Val713 amino acid residue in STAT3. Other variant(s) that disrupt this residue have been observed in individuals with STAT3-related conditions (PMID: 22751495, 25739182), which suggests that this may be a clinically significant amino acid residue. For these reasons, this variant has been classified as Pathogenic.

Literature cited by the submitters: PubMed 18602572; PubMed 25962528; PubMed 22751495; PubMed 25739182.